The following is an entry in ClinVar:

ClinVar aggregate classification (germline): Likely pathogenic (1 of 4 stars; one submission).

gnomAD v4.1: 1 of 1,551,348 alleles (0.000064%); highest among the groups gnomAD compares: Non-Finnish European, 0.000087%; no homozygotes.

Submission:

Labcorp Genetics (formerly Invitae), Labcorp
Classification: Likely pathogenic. Last evaluated: 2023-05-24. Review status: criteria provided, single submitter. Criteria: Invitae Variant Classification Sherloc (09022015). Collection method: clinical testing. Allele origin: germline.
Comment: In summary, the currently available evidence indicates that the variant is pathogenic, but additional data are needed to prove that conclusively. Therefore, this variant has been classified as Likely Pathogenic. Algorithms developed to predict the effect of sequence changes on RNA splicing suggest that this variant may disrupt the consensus splice site. This variant has not been reported in the literature in individuals affected with LOXHD1-related conditions. This variant is present in population databases (no rsID available, gnomAD 0.007%). This sequence change affects an acceptor splice site in intron 31 of the LOXHD1 gene. It is expected to disrupt RNA splicing. Variants that disrupt the donor or acceptor splice site typically lead to a loss of protein function (PMID: 16199547), and loss-of-function variants in LOXHD1 are known to be pathogenic (PMID: 19732867, 21465660, 25792669).

Literature cited by the submitters: PubMed 16199547; PubMed 19732867; PubMed 21465660; PubMed 25792669.

NM_001384474.1(LOXHD1):c.4877-2A>G

Gene: LOXHD1 (lipoxygenase homology PLAT domains 1; minus strand). Cytogenetic location: 18q21.1.
Variant type: single nucleotide variant.
Coding change: c.4877-2A>G on transcript NM_001384474.1 (MANE Select); the canonical splice acceptor site of the intron before coding-DNA position 4877, A replaced by G.
Molecular consequence: splice acceptor variant.
Genome position (GRCh38, 1-based): chr18:46,522,311, T>C on the plus strand (A>G on the coding strand, the complement: LOXHD1 is on the minus strand). VCF-style: chr18-46522311-T-C. GRCh37 (hg19) VCF-style: chr18-44102274-T-C.
Other names: c.1544-2A>G (NM_001145472.3); c.1256-2A>G (NM_001308013.2); c.4877-2A>G (NM_144612.7).
Identifiers: ClinVar variation 2912786 (VCV002912786.3), dbSNP rs543845504, ClinGen allele CA402372169.